The following is an entry in ClinVar:

ClinVar aggregate classification (germline): Conflicting classifications of pathogenicity. Review status: criteria provided, conflicting classifications (1 of 4 stars). 8 submissions from 8 submitters: Uncertain significance (1); Benign (2); Likely benign (4). 1 of the submissions does not count toward it. Last evaluated 2026-01-26.

Conditions:
Neurofibromatosis, type 2 (SWNV). Also called: NF2-Related Schwannomatosis; BILATERAL ACOUSTIC NEUROFIBROMATOSIS; SCHWANNOMATOSIS, VESTIBULAR. Identifiers: Orphanet 637, MedGen C0027832, MONDO:0007039, OMIM 101000. Disease mechanism: loss of function.
NF2-related disorder. Also called: NF2-related condition.

Allele frequency attached by ClinVar (database versions not stated): 1000 Genomes Project 30x 0.00031; 1000 Genomes Project 0.00040; ESP Exome Variant Server 0.00008; gnomAD exomes 0.00013 and 0.00029; gnomAD 0.00014 and 0.00016; TOPMed 0.00025; ExAC 0.00026.
gnomAD v4.1: 211 of 1,613,910 alleles (0.013%); highest among the groups gnomAD compares: East Asian, 0.29%; 1 homozygote.

Submissions (8):

Labcorp Genetics (formerly Invitae), Labcorp
Classification: Benign for Neurofibromatosis, type 2. Last evaluated: 2026-01-26. Review status: criteria provided, single submitter. Criteria: Invitae Variant Classification Sherloc (09022015). Collection method: clinical testing. Allele origin: germline.

CeGaT Center for Human Genetics Tuebingen
Classification: Likely benign. Last evaluated: 2025-10-01. Review status: criteria provided, single submitter. Criteria: CeGaT Center For Human Genetics Tuebingen Variant Classification Criteria Version 2. Collection method: clinical testing. Allele origin: germline. Affected: yes. Observed: 3 variant alleles.
Comment: NF2: BS2

Blueprint Genetics
Classification: Likely benign. Last evaluated: 2022-10-03. Review status: criteria provided, single submitter. Criteria: ACMG Guidelines, 2015. Collection method: clinical testing. Allele origin: germline.

Genome-Nilou Lab
Classification: Benign for Neurofibromatosis, type 2. Last evaluated: 2021-11-07. Review status: criteria provided, single submitter. Criteria: ACMG Guidelines, 2015. Collection method: clinical testing. Allele origin: germline. Affected: no.

GeneDx
Classification: Likely benign. Last evaluated: 2018-05-23. Review status: criteria provided, single submitter. Criteria: GeneDx Variant Classification (06012015). Collection method: clinical testing. Allele origin: germline. Affected: yes.
Comment: This variant is considered likely benign or benign based on one or more of the following criteria: it is a conservative change, it occurs at a poorly conserved position in the protein, it is predicted to be benign by multiple in silico algorithms, and/or has population frequency not consistent with disease.

Illumina Laboratory Services, Illumina
Classification: Likely benign for Neurofibromatosis, type 2. Last evaluated: 2018-02-27. Review status: criteria provided, single submitter. Criteria: ICSL Variant Classification Criteria 13 December 2019. Collection method: clinical testing. Allele origin: germline.
Comment: This variant was observed as part of a predisposition screen in an ostensibly healthy population. A literature search was performed for the gene, cDNA change, and amino acid change (where applicable). No publications were found based on this search. Allele frequency data from public databases allowed determination this variant is unlikely to cause disease. Therefore, this variant is classified as likely benign.

Laboratory for Molecular Medicine, Mass General Brigham Personalized Medicine
Classification: Uncertain significance. Last evaluated: 2017-01-10. Review status: criteria provided, single submitter. Criteria: LMM Criteria. Collection method: clinical testing. Allele origin: germline.
Comment: Variant identified in a genome or exome case(s) and assessed due to predicted null impact of the variant or pathogenic assertions in the literature or databases. Disclaimer: This variant has not undergone full assessment. The following are preliminary notes: MaxMAF 0.35% (572 chrs). Frequency high for disorder. Seen in 2 papers, in 2 sporadic cases. Not in ClinVar.

PreventionGenetics, part of Exact Sciences
Classification: Likely benign for NF2-related condition. Last evaluated: 2023-03-22. Review status: no assertion criteria provided. Collection method: clinical testing. Allele origin: germline. Not counted in ClinVar's aggregate classification.
Comment: This variant is classified as likely benign based on ACMG/AMP sequence variant interpretation guidelines (Richards et al. 2015 PMID: 25741868, with internal and published modifications).

NM_000268.4(NF2):c.240+15C>T

Gene: NF2 (NF2, moesin-ezrin-radixin like (MERLIN) tumor suppressor; plus strand). Cytogenetic location: 22q12.2.
Variant type: single nucleotide variant.
Coding change: c.240+15C>T on transcript NM_000268.4 (MANE Select); 15 bases into the intron after coding-DNA position 240, C replaced by T.
Molecular consequence: intron variant.
Genome position (GRCh38, 1-based): chr22:29,636,891, C>T. VCF-style: chr22-29636891-C-T. GRCh37 (hg19) VCF-style: chr22-30032880-C-T.
Other names: c.240+15C>T (NM_016418.5, NM_181832.3, NM_181833.3 and 3 more transcripts); c.115-2199C>T (NM_181828.3); c.115-5311C>T (NM_181830.3, NM_181831.3).
Identifiers: ClinVar variation 341067 (VCV000341067.41), dbSNP rs200701337, ClinGen allele CA10175558.